The following is an entry in ClinVar:

NM_001378452.1(ITPR1):c.5610C>A (p.Asp1870Glu)

Gene: ITPR1 (inositol 1,4,5-trisphosphate receptor type 1; plus strand). Cytogenetic location: 3p26.1.
Variant type: single nucleotide variant.
Coding change: c.5610C>A on transcript NM_001378452.1 (MANE Select); coding-DNA position 5610, C replaced by A.
Protein change: p.Asp1870Glu; replaces aspartic acid 1870 with glutamic acid.
Molecular consequence: missense variant.
Genome position (GRCh38, 1-based): chr3:4,766,595, C>A. VCF-style: chr3-4766595-C-A. GRCh37 (hg19) VCF-style: chr3-4808279-C-A.
Other names: c.5466C>A, p.Asp1822Glu (NM_001099952.4); c.5565C>A, p.Asp1855Glu (NM_001168272.2); c.5421C>A, p.Asp1807Glu (NM_002222.7); short protein forms D1855E, D1807E, D1870E, D1822E.
Identifiers: ClinVar variation 2754943 (VCV002754943.3), dbSNP rs2470038238, ClinGen allele CA351633537.

ClinVar aggregate classification (germline): Uncertain significance (1 of 4 stars; one submission).

Submission:

Labcorp Genetics (formerly Invitae), Labcorp
Classification: Uncertain significance. Last evaluated: 2023-08-24. Review status: criteria provided, single submitter. Criteria: Invitae Variant Classification Sherloc (09022015). Collection method: clinical testing. Allele origin: germline.
Comment: In summary, the available evidence is currently insufficient to determine the role of this variant in disease. Therefore, it has been classified as a Variant of Uncertain Significance. Advanced modeling of protein sequence and biophysical properties (such as structural, functional, and spatial information, amino acid conservation, physicochemical variation, residue mobility, and thermodynamic stability) performed at Invitae indicates that this missense variant is not expected to disrupt ITPR1 protein function. This variant has not been reported in the literature in individuals affected with ITPR1-related conditions. This variant is not present in population databases (gnomAD no frequency). This sequence change replaces aspartic acid, which is acidic and polar, with glutamic acid, which is acidic and polar, at codon 1807 of the ITPR1 protein (p.Asp1807Glu).